The following is an entry in ClinVar:

ClinVar aggregate classification (germline): Pathogenic (1 of 4 stars; one submission).

Conditions:
Mucopolysaccharidosis, MPS-II (MPS2). Also called: Hunter Syndrome; IDURONATE 2-SULFATASE DEFICIENCY; Mucopolysaccharidosis Type II; Mucopolysaccharidosis type 2; Attenuated MPS (subtype; formerly known as mild MPS II); Severe MPS II. Identifiers: Orphanet 580, Orphanet 79388, MedGen C0026705, MONDO:0010674, OMIM 309900.

Submission:

Laboratory of Diagnosis and Therapy of Lysosomal Disorders, University of Padova
Classification: Pathogenic for Mucopolysaccharidosis, MPS-II. Last evaluated: 2024-06-07. Review status: criteria provided, single submitter. Criteria: ACMG Guidelines, 2015. Collection method: literature only. Allele origin: germline. Affected: yes. Observed: 2 variant alleles.
Comment: Null variant (PVS1_VeryStrong), Absent from controls (or at low frequency) in gnomAD database (PM2_Moderate), Patient’s phenotype or family history highly specific for the disease (PP4_Moderate)

Classification method: ACMG Guidelines [PMID:25741868] with modifications

Literature cited by the submitters: PubMed 34670126; PubMed 36945845.

NM_000202.8(IDS):c.854del (p.Tyr285fs)

Genes: IDS (iduronate 2-sulfatase; minus strand), LOC106050102 (IDS recombination region; plus strand). Cytogenetic location: Xq28.
Variant type: Deletion.
Coding change: c.854del on transcript NM_000202.8 (MANE Select); coding-DNA position 854, one base deleted (A; older notation c.854delA).
Protein change: p.Tyr285fs; shifts the reading frame from tyrosine 285.
Molecular consequence: frameshift variant. On other transcripts: non-coding transcript variant (1).
Genome position (GRCh38, 1-based): chrX:149,496,371, T deleted on the plus strand (A on the coding strand, the reverse complement: IDS is on the minus strand). VCF-style (leftmost placement, unchanged base first): chrX-149496370-AT-A. GRCh37 (hg19) VCF-style: chrX-148577901-AT-A.
Other names: c.584del, p.Tyr195fs (NM_001166550.4); c.854del, p.Tyr285fs (NM_006123.5); short protein forms Y195fs, Y285fs.
Identifiers: ClinVar variation 3255862 (VCV003255862.2).